The following is an entry in ClinVar:

NM_014889.4(PITRM1):c.2240G>A (p.Arg747Gln)

Genes: PITRM1 (pitrilysin metallopeptidase 1; minus strand), PITRM1-AS1 (PITRM1 antisense RNA 1; plus strand). Cytogenetic location: 10p15.2.
Variant type: single nucleotide variant.
Coding change: c.2240G>A on transcript NM_014889.4 (MANE Select); coding-DNA position 2240, G replaced by A.
Protein change: p.Arg747Gln; replaces arginine 747 with glutamine.
Molecular consequence: missense variant. On other transcripts: non-coding transcript variant (5).
Genome position (GRCh38, 1-based): chr10:3,147,246, C>T on the plus strand (G>A on the coding strand, the complement: PITRM1 is on the minus strand). VCF-style: chr10-3147246-C-T. GRCh37 (hg19) VCF-style: chr10-3189438-C-T.
Other names: c.2243G>A, p.Arg748Gln (NM_001242307.2); c.2042G>A, p.Arg681Gln (NM_001347725.2); c.1427G>A, p.Arg476Gln (NM_001347726.2); c.1625G>A, p.Arg542Gln (NM_001347727.2); c.935G>A, p.Arg312Gln (NM_001347728.2); c.2216G>A, p.Arg739Gln (NM_001347729.1); c.2018G>A, p.Arg673Gln (NM_001347730.1); c.1946G>A, p.Arg649Gln (NM_001242309.1); short protein forms R312Q, R649Q, R673Q, R681Q, R748Q, R542Q, R739Q, R476Q.
Identifiers: ClinVar variation 741487 (VCV000741487.7), dbSNP rs140399473, ClinGen allele CA5387461.

ClinVar aggregate classification (germline): Conflicting classifications of pathogenicity. Review status: criteria provided, conflicting classifications (1 of 4 stars). 2 submissions from 2 submitters: Uncertain significance (1); Likely benign (1). Last evaluated 2026-05-01.

Allele frequency attached by ClinVar (database versions not stated): ESP Exome Variant Server 0.00008; gnomAD 0.00015 and 0.00021; TOPMed 0.00019; ExAC 0.00033; gnomAD exomes 0.00033; 1000 Genomes Project 0.00100; 1000 Genomes Project 30x 0.00109.
gnomAD v4.1: 226 of 1,610,800 alleles (0.014%); highest among the groups gnomAD compares: East Asian, 0.26%; no homozygotes.

Submissions (2):

CeGaT Center for Human Genetics Tuebingen
Classification: Uncertain significance. Last evaluated: 2026-05-01. Review status: criteria provided, single submitter. Criteria: CeGaT Center For Human Genetics Tuebingen Variant Classification Criteria Version 2. Collection method: clinical testing. Allele origin: germline. Affected: yes. Observed: 1 variant allele.
Comment: PITRM1: PM2, BP4

Labcorp Genetics (formerly Invitae), Labcorp
Classification: Likely benign. Last evaluated: 2024-03-02. Review status: criteria provided, single submitter. Criteria: Invitae Variant Classification Sherloc (09022015). Collection method: clinical testing. Allele origin: germline.